The following is an entry in ClinVar:

NM_001267550.2(TTN):c.107552T>C (p.Met35851Thr)

Genes: TTN (titin; minus strand), TTN-AS1 (TTN antisense RNA 1; plus strand). Cytogenetic location: 2q31.2.
Variant type: single nucleotide variant.
Coding change: c.107552T>C on transcript NM_001267550.2 (MANE Select); coding-DNA position 107552, T replaced by C.
Protein change: p.Met35851Thr; replaces methionine 35851 with threonine.
Molecular consequence: missense variant.
Genome position (GRCh38, 1-based): chr2:178,527,574, A>G on the plus strand (T>C on the coding strand, the complement: TTN is on the minus strand). VCF-style: chr2-178527574-A-G. GRCh37 (hg19) VCF-style: chr2-179392301-A-G.
Other names: c.99848T>C, p.Met33283Thr (NM_133378.4); c.102629T>C, p.Met34210Thr (NM_001256850.1); c.80357T>C, p.Met26786Thr (NM_003319.4); c.80732T>C, p.Met26911Thr (NM_133432.3); c.80933T>C, p.Met26978Thr (NM_133437.4); short protein forms M33283T, M35851T, M26978T, M34210T, M26786T, M26911T.
Identifiers: ClinVar variation 505149 (VCV000505149.5), dbSNP rs1310904463, ClinGen allele CA349400117.
Genomic context (GRCh38, chr2:178,527,574, plus strand): 5'-AAGCTGCTGGAACTCATTTCTACAAAGGACTCTTGCATGGAGGACATGCTTTGGGCAGAC[A>G]TGCTTGCAAATTTCATCTCAGTCATGCTGCTAGCACTGCTGCTGCTGAAACTGCTGAAGG-3'
Protein context (NP_001254479.2, residues 35841-35861): SSMTEMKFAS[Met35851Thr]SAQSMSSMQE

ClinVar aggregate classification (germline): Uncertain significance (1 of 4 stars; one submission).

Allele frequency attached by ClinVar (database versions not stated): gnomAD exomes 0.00001; gnomAD 0.00002; TOPMed 0.00002 and 0.00003.

Submission:

Laboratory for Molecular Medicine, Mass General Brigham Personalized Medicine
Classification: Uncertain significance. Last evaluated: 2016-06-16. Review status: criteria provided, single submitter. Criteria: LMM Criteria. Collection method: clinical testing. Allele origin: germline. Observed: 1 variant allele.
Comment: The p.Met33283Thr variant in TTN has not been previously reported in individuals with cardiomyopathy or in large population studies. Computational prediction to ols and conservation analysis suggest that the p.Met33283Thr variant may impact the protein, though this information is not predictive enough to determine patho genicity. In summary, the clinical significance of the p.Met33283Thr variant is uncertain.